The following is an entry in ClinVar:

NM_006005.3(WFS1):c.393C>T (p.Val131=)

Gene: WFS1 (wolframin ER transmembrane glycoprotein; plus strand). Cytogenetic location: 4p16.1.
Variant type: single nucleotide variant.
Coding change: c.393C>T on transcript NM_006005.3 (MANE Select); coding-DNA position 393, C replaced by T.
Protein change: p.Val131=; no amino-acid change (valine 131 retained).
Molecular consequence: synonymous variant.
Genome position (GRCh38, 1-based): chr4:6,289,064, C>T. VCF-style: chr4-6289064-C-T. GRCh37 (hg19) VCF-style: chr4-6290791-C-T.
Other names: c.393C>T, p.Val131= (NM_001145853.1).
Identifiers: ClinVar variation 1207388 (VCV001207388.28), dbSNP rs758199900, ClinGen allele CA2838881.

ClinVar aggregate classification (germline): Likely benign. Review status: criteria provided, multiple submitters, no conflicts (2 of 4 stars). 6 submissions from 6 submitters: Likely benign (6). Last evaluated 2025-12-03.

Conditions:
Cataract 41 (CTRCT41). Also called: CATARACT 41, CONGENITAL NUCLEAR TYPE. Identifiers: Orphanet 91492, Orphanet 98991, Orphanet 98992, Orphanet 98995, MedGen C3805412, MONDO:0007287, OMIM 116400.
Wolfram syndrome 1 (WFS1). Identifiers: Orphanet 3463, MedGen C4551693, MONDO:0009101, OMIM 222300.
Wolfram-like syndrome. Also called: HEARING LOSS, PROGRESSIVE, WITH OPTIC ATROPHY AND/OR IMPAIRED GLUCOSE REGULATION. Identifiers: Orphanet 411590, MedGen C3280358, MONDO:0013673, OMIM 614296.
Autosomal dominant nonsyndromic hearing loss 6 (LFSNHL). Also called: Autosomal dominant nonsyndromic deafness 6; DEAFNESS, AUTOSOMAL DOMINANT 6; DEAFNESS, AUTOSOMAL DOMINANT 14; DEAFNESS, AUTOSOMAL DOMINANT 38. Identifiers: Orphanet 90635, MedGen C1833021, MONDO:0010963, OMIM 600965.
Type 2 diabetes mellitus. Also called: Type II diabetes mellitus. Identifiers: MedGen C0011860, MeSH D003924, MONDO:0005148, OMIM 125853, HP:0005978.

Allele frequency attached by ClinVar (database versions not stated): ExAC 0.00002; gnomAD exomes 0.00002 and 0.00003; gnomAD 0.00007 and 0.00008; TOPMed 0.00009.
gnomAD v4.1: 53 of 1,593,706 alleles (0.0033%); highest among the groups gnomAD compares: African/African-American, 0.012%; no homozygotes.

Submissions (6):

Women's Health and Genetics/Laboratory Corporation of America, LabCorp
Classification: Likely benign. Last evaluated: 2025-12-03. Review status: criteria provided, single submitter. Criteria: LabCorp Variant Classification Summary - May 2015. Collection method: clinical testing. Allele origin: germline.

Labcorp Genetics (formerly Invitae), Labcorp
Classification: Likely benign. Last evaluated: 2025-10-23. Review status: criteria provided, single submitter. Criteria: Invitae Variant Classification Sherloc (09022015). Collection method: clinical testing. Allele origin: germline.

CeGaT Center for Human Genetics Tuebingen
Classification: Likely benign. Last evaluated: 2024-11-01. Review status: criteria provided, single submitter. Criteria: CeGaT Center For Human Genetics Tuebingen Variant Classification Criteria Version 2. Collection method: clinical testing. Allele origin: germline. Affected: yes. Observed: 1 variant allele.
Comment: WFS1: BP4, BP7

Blueprint Genetics
Classification: Likely benign. Last evaluated: 2023-07-13. Review status: criteria provided, single submitter. Criteria: ACMG Guidelines, 2015. Collection method: clinical testing. Allele origin: germline.

Fulgent Genetics
Classification: Likely benign for Cataract 41; Type 2 diabetes mellitus; Wolfram syndrome 1; Autosomal dominant nonsyndromic hearing loss 6; Wolfram-like syndrome. Last evaluated: 2021-10-27. Review status: criteria provided, single submitter. Criteria: ACMG Guidelines, 2015. Collection method: clinical testing. Allele origin: unknown.

GeneDx
Classification: Likely benign. Last evaluated: 2020-07-21. Review status: criteria provided, single submitter. Criteria: GeneDx Variant Classification Process June 2021. Collection method: clinical testing. Allele origin: germline. Affected: yes.